The following is an entry in ClinVar:

NM_024422.6(DSC2):c.1560T>C (p.Ile520=)

Gene: DSC2 (desmocollin 2; minus strand). Cytogenetic location: 18q12.1.
Variant type: single nucleotide variant.
Coding change: c.1560T>C on transcript NM_024422.6 (MANE Select); coding-DNA position 1560, T replaced by C.
Protein change: p.Ile520=; no amino-acid change (isoleucine 520 retained).
Molecular consequence: synonymous variant.
Genome position (GRCh38, 1-based): chr18:31,079,950, A>G on the plus strand (T>C on the coding strand, the complement: DSC2 is on the minus strand). VCF-style: chr18-31079950-A-G. GRCh37 (hg19) VCF-style: chr18-28659916-A-G.
Other names: c.1560T>C, p.Ile520= (NM_004949.5).
Identifiers: ClinVar variation 920859 (VCV000920859.11), dbSNP rs1193943164, ClinGen allele CA503527349.

ClinVar aggregate classification (germline): Likely benign. Review status: criteria provided, multiple submitters, no conflicts (2 of 4 stars). 3 submissions from 3 submitters: Likely benign (3). Last evaluated 2025-12-08.

Conditions:
Familial isolated arrhythmogenic right ventricular dysplasia. Identifiers: Orphanet 217656, MedGen C4274968, MONDO:0016342.
Cardiomyopathy (CMYO). Also called: Cardiomyopathies. Identifiers: Orphanet 167848, MedGen C0878544, MONDO:0004994, HP:0001638. Inheritance: Various modes of inheritance.
Arrhythmogenic right ventricular dysplasia 11. Also called: ARRHYTHMOGENIC RIGHT VENTRICULAR DYSPLASIA, FAMILIAL, 11; Arrhythmogenic Right Ventricular Dysplasia/Cardiomyopathy11; Arrhythmogenic right ventricular dysplasia 11 with mild palmoplantar keratoderma and woolly hair. Identifiers: MedGen C1864850, MONDO:0012506, OMIM 610476.

Allele frequency attached by ClinVar (database versions not stated): gnomAD exomes below 0.00001 and 0.00001.
gnomAD v4.1: 5 of 1,613,998 alleles (0.00031%); highest among the groups gnomAD compares: Admixed American, 0.0083%; no homozygotes.

Submissions (3):

Labcorp Genetics (formerly Invitae), Labcorp
Classification: Likely benign for Arrhythmogenic right ventricular dysplasia 11. Last evaluated: 2025-12-08. Review status: criteria provided, single submitter. Criteria: Invitae Variant Classification Sherloc (09022015). Collection method: clinical testing. Allele origin: germline.

All of Us Research Program, National Institutes of Health
Classification: Likely benign for Familial isolated arrhythmogenic right ventricular dysplasia. Last evaluated: 2024-09-23. Review status: criteria provided, single submitter. Criteria: ACMG Guidelines, 2015. Collection method: clinical testing. Allele origin: germline. Inheritance: Autosomal dominant inheritance. Observed: 1 variant allele, 1 heterozygote.
Comment: This study involves interpretation of variants in research participants for the purpose of population health screening. Participant phenotype was not available at the time of variant classification. Additional details can be found in publication PMID: 35346344, PMCID: PMC8962531

Color Diagnostics, LLC DBA Color Health
Classification: Likely benign for Cardiomyopathy. Last evaluated: 2019-01-31. Review status: criteria provided, single submitter. Criteria: ACMG Guidelines, 2015. Collection method: clinical testing. Allele origin: germline.